The following is an entry in ClinVar:

NM_001142503.3(STARD8):c.614G>A (p.Arg205His)

Gene: STARD8 (StAR related lipid transfer domain containing 8; plus strand). Cytogenetic location: Xq13.1.
Variant type: single nucleotide variant.
Coding change: c.614G>A on transcript NM_001142503.3 (MANE Select); coding-DNA position 614, G replaced by A.
Protein change: p.Arg205His; replaces arginine 205 with histidine.
Molecular consequence: missense variant.
Genome position (GRCh38, 1-based): chrX:68,717,528, G>A. VCF-style: chrX-68717528-G-A. GRCh37 (hg19) VCF-style: chrX-67937370-G-A.
Other names: c.374G>A, p.Arg125His (NM_001142504.3, NM_014725.5); short protein forms R125H, R205H.
Identifiers: ClinVar variation 2660784 (VCV002660784.24), dbSNP rs140071140, ClinGen allele CA10437514.
Genomic context (GRCh38, chrX:68,717,528, plus strand): 5'-CCCTCCTCAGCCCCACCCAGGGCCAGGAGGGTCCCCAGGACAAAGCCAAGAAGCGCCATC[G>A]TAACCGTAGCTTCCTCAAGCACCTTGAATCTCTGAGGCGGAAGGAAAAGAGTGGCAGCCA-3'
Protein context (NP_001135975.1, residues 195-215): GPQDKAKKRH[Arg205His]NRSFLKHLES

ClinVar aggregate classification (germline): Likely benign (1 of 4 stars; one submission).

Allele frequency attached by ClinVar (database versions not stated): 1000 Genomes Project 30x 0.00021; 1000 Genomes Project 0.00026; ESP Exome Variant Server 0.00028; gnomAD exomes 0.00028; TOPMed 0.00030; gnomAD 0.00036; ExAC 0.00039.
gnomAD v4.1: 354 of 1,209,313 alleles (0.029%); highest among the groups gnomAD compares: South Asian, 0.035%; 1 homozygote.

Submission:

CeGaT Center for Human Genetics Tuebingen
Classification: Likely benign. Last evaluated: 2022-12-01. Review status: criteria provided, single submitter. Criteria: CeGaT Center For Human Genetics Tuebingen Variant Classification Criteria Version 2. Collection method: clinical testing. Allele origin: germline. Affected: yes. Observed: 1 variant allele.
Comment: STARD8: BP4, BS2